The following is an entry in ClinVar:

ClinVar aggregate classification (germline): Uncertain significance. Review status: criteria provided, multiple submitters, no conflicts (2 of 4 stars). 3 submissions from 3 submitters: Uncertain significance (3). Last evaluated 2025-10-03.

Conditions:
Hajdu-Cheney syndrome (HJCYS). Also called: ACROOSTEOLYSIS WITH OSTEOPOROSIS AND CHANGES IN SKULL AND MANDIBLE; SERPENTINE FIBULA-POLYCYSTIC KIDNEY SYNDROME; Acroosteolysis dominant type. Identifiers: Orphanet 955, MedGen C0917715, MONDO:0007057, OMIM 102500.

Allele frequency attached by ClinVar (database versions not stated): gnomAD 0.00002; gnomAD exomes 0.00002 and 0.00003; TOPMed 0.00002; ExAC 0.00003.
gnomAD v4.1: 32 of 1,614,028 alleles (0.002%); highest among the groups gnomAD compares: Middle Eastern, 0.016%; no homozygotes.

Submissions (3):

Labcorp Genetics (formerly Invitae), Labcorp
Classification: Uncertain significance for Hajdu-Cheney syndrome. Last evaluated: 2025-10-03. Review status: criteria provided, single submitter. Criteria: Invitae Variant Classification Sherloc (09022015). Collection method: clinical testing. Allele origin: germline.
Comment: This sequence change replaces arginine, which is basic and polar, with glutamine, which is neutral and polar, at codon 869 of the NOTCH2 protein (p.Arg869Gln). This variant is present in population databases (rs782269360, gnomAD 0.009%). This variant has not been reported in the literature in individuals affected with NOTCH2-related conditions. ClinVar contains an entry for this variant (Variation ID: 502601). Invitae Evidence Modeling of protein sequence and biophysical properties (such as structural, functional, and spatial information, amino acid conservation, physicochemical variation, residue mobility, and thermodynamic stability) indicates that this missense variant is not expected to disrupt NOTCH2 protein function with a negative predictive value of 80%. In summary, the available evidence is currently insufficient to determine the role of this variant in disease. Therefore, it has been classified as a Variant of Uncertain Significance.

Revvity Omics, Revvity
Classification: Uncertain significance. Last evaluated: 2022-03-18. Review status: criteria provided, single submitter. Criteria: ACMG Guidelines, 2015. Collection method: clinical testing. Allele origin: germline.

Eurofins Ntd Llc (ga)
Classification: Uncertain significance. Last evaluated: 2017-06-15. Review status: criteria provided, single submitter. Criteria: EGL Classification Definitions 2015. Collection method: clinical testing. Allele origin: germline. Observed: 1 variant allele, 1 heterozygote.

NM_024408.4(NOTCH2):c.2606G>A (p.Arg869Gln)

Gene: NOTCH2 (notch receptor 2; minus strand). Cytogenetic location: 1p12.
Variant type: single nucleotide variant.
Coding change: c.2606G>A on transcript NM_024408.4 (MANE Select); coding-DNA position 2606, G replaced by A.
Protein change: p.Arg869Gln; replaces arginine 869 with glutamine.
Molecular consequence: missense variant.
Genome position (GRCh38, 1-based): chr1:119,948,560, C>T on the plus strand (G>A on the coding strand, the complement: NOTCH2 is on the minus strand). VCF-style: chr1-119948560-C-T. GRCh37 (hg19) VCF-style: chr1-120491183-C-T.
Other names: c.2606G>A, p.Arg869Gln (NM_001200001.2); short protein forms R869Q.
Identifiers: ClinVar variation 502601 (VCV000502601.14), dbSNP rs782269360, ClinGen allele CA1040235.